The following is an entry in ClinVar:

NM_001018115.3(FANCD2):c.4174C>T (p.Arg1392Trp)

Genes: FANCD2 (FA complementation group D2; plus strand), FANCD2OS (FANCD2 opposite strand; minus strand). Cytogenetic location: 3p25.3.
Variant type: single nucleotide variant.
Coding change: c.4174C>T on transcript NM_001018115.3 (MANE Select); coding-DNA position 4174, C replaced by T.
Protein change: p.Arg1392Trp; replaces arginine 1392 with tryptophan.
Molecular consequence: missense variant. On other transcripts: intron variant (1).
Genome position (GRCh38, 1-based): chr3:10,096,461, C>T. VCF-style: chr3-10096461-C-T. GRCh37 (hg19) VCF-style: chr3-10138145-C-T.
Other names: c.4174C>T, p.Arg1392Trp (NM_001319984.2, NM_033084.6); c.4063C>T, p.Arg1355Trp (NM_001374253.1); c.4135C>T, p.Arg1379Trp (NM_001374254.1); c.*43+7737G>A (NM_173472.2); short protein forms R1379W, R1355W, R1392W.
Identifiers: ClinVar variation 2954766 (VCV002954766.3), dbSNP rs368195150, ClinGen allele CA2250633.
Genomic context (GRCh38, chr3:10,096,461, plus strand): 5'-AAAGCTATGCTCACTCTCAACAATTGTAGAGAGGCTTTCTGGCTGGGCAATCTAAAAAAC[C>T]GGGACTTGCAGGTAAGCCTTGGATCCTGCTAGTGATAATCCCCTACTCTTATTCTTTGTG-3'
Protein context (NP_001018125.1, residues 1382-1402): EAFWLGNLKN[Arg1392Trp]DLQGEEIKSQ

ClinVar aggregate classification (germline): Uncertain significance (1 of 4 stars; one submission).

Conditions:
Fanconi anemia (FA). Also called: Fanconi's anemia. Identifiers: Orphanet 84, MedGen C0015625, MeSH D005199, MONDO:0019391.

Allele frequency attached by ClinVar (database versions not stated): ESP Exome Variant Server 0.00008; ExAC 0.00001; gnomAD exomes 0.00001.
gnomAD v4.1: 9 of 1,614,010 alleles (0.00056%); highest among the groups gnomAD compares: Non-Finnish European, 0.00068%; no homozygotes.

Submission:

Labcorp Genetics (formerly Invitae), Labcorp
Classification: Uncertain significance for Fanconi anemia. Last evaluated: 2025-06-27. Review status: criteria provided, single submitter. Criteria: Invitae Variant Classification Sherloc (09022015). Collection method: clinical testing. Allele origin: germline.
Comment: This sequence change replaces arginine, which is basic and polar, with tryptophan, which is neutral and slightly polar, at codon 1392 of the FANCD2 protein (p.Arg1392Trp). This variant is present in population databases (rs368195150, gnomAD 0.0009%). This variant has not been reported in the literature in individuals affected with FANCD2-related conditions. ClinVar contains an entry for this variant (Variation ID: 2954766). Invitae Evidence Modeling of protein sequence and biophysical properties (such as structural, functional, and spatial information, amino acid conservation, physicochemical variation, residue mobility, and thermodynamic stability) indicates that this missense variant is expected to disrupt FANCD2 protein function with a positive predictive value of 80%. In summary, the available evidence is currently insufficient to determine the role of this variant in disease. Therefore, it has been classified as a Variant of Uncertain Significance.